The following is an entry in ClinVar:

ClinVar aggregate classification (germline): Uncertain significance. Review status: criteria provided, multiple submitters, no conflicts (2 of 4 stars). 2 submissions from 2 submitters: Uncertain significance (2). Last evaluated 2026-06-01.

Conditions:
Glycogen storage disease, type V (GSD5). Also called: MCARDLE DISEASE; MUSCLE GLYCOGEN PHOSPHORYLASE DEFICIENCY; MYOPHOSPHORYLASE DEFICIENCY; PYGM DEFICIENCY; McArdle type glycogen storage disease. Identifiers: Orphanet 368, MedGen C0017924, MONDO:0009293, OMIM 232600.

Submissions (2):

CeGaT Center for Human Genetics Tuebingen
Classification: Uncertain significance. Last evaluated: 2026-06-01. Review status: criteria provided, single submitter. Criteria: CeGaT Center For Human Genetics Tuebingen Variant Classification Criteria Version 2. Collection method: clinical testing. Allele origin: germline. Affected: yes. Observed: 1 variant allele.
Comment: PYGM: PM2

Fulgent Genetics
Classification: Uncertain significance for Glycogen storage disease, type V. Last evaluated: 2024-06-04. Review status: criteria provided, single submitter. Criteria: ACMG Guidelines, 2015. Collection method: clinical testing. Allele origin: germline.

NM_005609.4(PYGM):c.7C>G (p.Arg3Gly)

Gene: PYGM (glycogen phosphorylase, muscle associated; minus strand). Cytogenetic location: 11q13.1.
Variant type: single nucleotide variant.
Coding change: c.7C>G on transcript NM_005609.4 (MANE Select); coding-DNA position 7, C replaced by G.
Protein change: p.Arg3Gly; replaces arginine 3 with glycine.
Molecular consequence: missense variant.
Genome position (GRCh38, 1-based): chr11:64,759,892, G>C on the plus strand (C>G on the coding strand, the complement: PYGM is on the minus strand). VCF-style: chr11-64759892-G-C. GRCh37 (hg19) VCF-style: chr11-64527364-G-C.
Other names: c.7C>G, p.Arg3Gly (NM_001164716.1); short protein forms R3G.
Identifiers: ClinVar variation 3600090 (VCV003600090.3).
Genomic context (GRCh38, chr11:64,759,892, plus strand): 5'-CCACGCCGGCCAGGCCACGCACACTGATTTGCTTTCTTTTCTCTTGGTCTGACAGGGGCC[G>C]GGACATGGCTGCAGGAGGGCGGGCCGGACTGGACTGATGGTAGAGGGGACGGCGGCCTCA-3'
Protein context (NP_005600.1, residues 1-13): MS[Arg3Gly]PLSDQEKRKQ